The following is an entry in ClinVar:

ClinVar aggregate classification (germline): Likely benign. Review status: criteria provided, multiple submitters, no conflicts (2 of 4 stars). 3 submissions from 3 submitters: Likely benign (3). Last evaluated 2026-03-27.

Conditions:
Cardiovascular phenotype. Identifiers: MedGen CN230736.
Dilated cardiomyopathy 1AA (CMD1AA). Also called: CARDIOMYOPATHY, DILATED, 1AA, WITH OR WITHOUT LEFT VENTRICULAR NONCOMPACTION; CARDIOMYOPATHY, FAMILIAL HYPERTROPHIC, 23, WITH OR WITHOUT LEFT VENTRICULAR NONCOMPACTION; Cardiomyopathy, dilated, 1AA, with or without LVNC. Identifiers: Orphanet 154, MedGen C2677338, MONDO:0012808, OMIM 612158.
Primary familial hypertrophic cardiomyopathy (HCM). Identifiers: Orphanet 99739, MedGen C0949658, MeSH D024741, MONDO:0024573. Inheritance: Various modes of inheritance.

gnomAD v4.1: 5 of 1,614,218 alleles (0.00031%); highest among the groups gnomAD compares: Non-Finnish European, 0.00042%; no homozygotes.

Submissions (3):

Molecular Diagnostic Laboratory for Inherited Cardiovascular Disease, Montreal Heart Institute
Classification: Likely benign. Last evaluated: 2026-03-27. Review status: criteria provided, single submitter. Criteria: ACMG Guidelines, 2015. Collection method: clinical testing. Allele origin: germline. Affected: no.
Comment: BP7

Ambry Genetics
Classification: Likely benign for Cardiovascular phenotype. Last evaluated: 2026-02-24. Review status: criteria provided, single submitter. Criteria: Ambry Variant Classification Scheme 2023. Collection method: clinical testing. Allele origin: germline.

Labcorp Genetics (formerly Invitae), Labcorp
Classification: Likely benign for Primary familial hypertrophic cardiomyopathy; Dilated cardiomyopathy 1AA. Last evaluated: 2024-03-13. Review status: criteria provided, single submitter. Criteria: Invitae Variant Classification Sherloc (09022015). Collection method: clinical testing. Allele origin: germline.

NM_001103.4(ACTN2):c.2391T>C (p.Ile797=)

Gene: ACTN2 (actinin alpha 2; plus strand). Cytogenetic location: 1q43.
Variant type: single nucleotide variant.
Coding change: c.2391T>C on transcript NM_001103.4 (MANE Select); coding-DNA position 2391, T replaced by C.
Protein change: p.Ile797=; no amino-acid change (isoleucine 797 retained).
Molecular consequence: synonymous variant. On other transcripts: non-coding transcript variant (1).
Genome position (GRCh38, 1-based): chr1:236,761,038, T>C. VCF-style: chr1-236761038-T-C. GRCh37 (hg19) VCF-style: chr1-236924338-T-C.
Other names: c.2391T>C (NM_001103.2, NM_001103.3); c.2391T>C, p.Ile797= (NM_001278343.2).
Identifiers: ClinVar variation 3760585 (VCV003760585.3), dbSNP rs1255021096.